The following is an entry in ClinVar:

NM_032193.4(RNASEH2C):c.495A>G (p.Ter165Trp)

Gene: RNASEH2C (ribonuclease H2 subunit C; minus strand). Cytogenetic location: 11q13.1.
Variant type: single nucleotide variant.
Coding change: c.495A>G on transcript NM_032193.4 (MANE Select); coding-DNA position 495, A replaced by G.
Protein change: p.Ter165Trp.
Molecular consequence: stop lost.
Genome position (GRCh38, 1-based): chr11:65,719,783, T>C on the plus strand (A>G on the coding strand, the complement: RNASEH2C is on the minus strand). VCF-style: chr11-65719783-T-C. GRCh37 (hg19) VCF-style: chr11-65487254-T-C.
Other names: *165W.
Identifiers: ClinVar variation 917631 (VCV000917631.1), dbSNP rs749473518, ClinGen allele CA381293483.

ClinVar aggregate classification (germline): Uncertain significance (1 of 4 stars; one submission).

gnomAD v4.1: 2 of 1,614,054 alleles (0.00012%); highest among the groups gnomAD compares: African/African-American, 0.0027%; no homozygotes.

Submission:

Women's Health and Genetics/Laboratory Corporation of America, LabCorp
Classification: Uncertain significance. Last evaluated: 2020-01-29. Review status: criteria provided, single submitter. Criteria: LabCorp Variant Classification Summary - May 2015. Collection method: clinical testing. Allele origin: germline.
Comment: Variant summary: RNASEH2C c.495A>G (p.X165Trp) changes the termination codon and is predicted to lead to an extended protein with 135 amino acids added to the normal C-terminus. The variant allele was found at a frequency of 1.4e-05 in 143290 control chromosomes. The available data on variant occurrences in the general population are insufficient to allow any conclusion about variant significance. To our knowledge, no occurrence of c.495A>G in individuals affected with Aicardi Goutieres syndrome and no experimental evidence demonstrating its impact on protein function have been reported. No clinical diagnostic laboratories have submitted clinical-significance assessments for this variant to ClinVar after 2014. Based on the evidence outlined above, the variant was classified as uncertain significance.